The following is an entry in ClinVar:

NM_001130965.3(SUN1):c.1492G>A (p.Gly498Ser)

Gene: SUN1 (Sad1 and UNC84 domain containing 1; plus strand). Cytogenetic location: 7p22.3.
Variant type: single nucleotide variant.
Coding change: c.1492G>A on transcript NM_001130965.3 (MANE Select); coding-DNA position 1492, G replaced by A.
Protein change: p.Gly498Ser; replaces glycine 498 with serine.
Molecular consequence: missense variant. On other transcripts: non-coding transcript variant (3).
Genome position (GRCh38, 1-based): chr7:857,925, G>A. VCF-style: chr7-857925-G-A. GRCh37 (hg19) VCF-style: chr7-897562-G-A.
Other names: c.1183G>A, p.Gly395Ser (NM_001171944.2); c.1492G>A, p.Gly498Ser (NM_001367633.1, NM_001367634.1, NM_001367653.1); c.1141G>A, p.Gly381Ser (NM_001367635.1); c.1732G>A, p.Gly578Ser (NM_001367636.1, NM_001367691.1); c.1600G>A, p.Gly534Ser (NM_001367638.1); c.1033G>A, p.Gly345Ser (NM_001367639.1); c.1672G>A, p.Gly558Ser (NM_001367640.1); c.1774G>A, p.Gly592Ser (NM_001367641.1, NM_001367682.1); and 44 more; short protein forms G309S, G465S, G498S, G502S, G513S, G526S, G563S, G601S.
Identifiers: ClinVar variation 2183518 (VCV002183518.5), dbSNP rs763364681, ClinGen allele CA4112255.

ClinVar aggregate classification (germline): Conflicting classifications of pathogenicity. Review status: criteria provided, conflicting classifications (1 of 4 stars). 2 submissions from 2 submitters: Uncertain significance (1); Likely benign (1). Last evaluated 2025-08-25.

Conditions:
Emery-Dreifuss muscular dystrophy (EDMD). Also called: Scapuloperoneal syndrome, X-linked (formerly); Humeroperoneal neuromuscular disease, (formerly). Identifiers: Orphanet 261, MedGen C0410189, MONDO:0016830.

Allele frequency attached by ClinVar (database versions not stated): gnomAD exomes 0.00001; gnomAD 0.00002; TOPMed 0.00002; ExAC 0.00003.
gnomAD v4.1: 23 of 1,597,060 alleles (0.0014%); highest among the groups gnomAD compares: Admixed American, 0.0034%; no homozygotes.

Submissions (2):

Labcorp Genetics (formerly Invitae), Labcorp
Classification: Uncertain significance for Emery-Dreifuss muscular dystrophy. Last evaluated: 2025-08-25. Review status: criteria provided, single submitter. Criteria: Invitae Variant Classification Sherloc (09022015). Collection method: clinical testing. Allele origin: germline.
Comment: This sequence change replaces glycine, which is neutral and non-polar, with serine, which is neutral and polar, at codon 498 of the SUN1 protein (p.Gly498Ser). This variant is present in population databases (rs763364681, gnomAD 0.01%). This variant has not been reported in the literature in individuals affected with SUN1-related conditions. ClinVar contains an entry for this variant (Variation ID: 2183518). An algorithm developed to predict the effect of missense changes on protein structure and function outputs the following: PolyPhen-2: "Benign". The serine amino acid residue is found in multiple mammalian species, which suggests that this missense change does not adversely affect protein function. In summary, the available evidence is currently insufficient to determine the role of this variant in disease. Therefore, it has been classified as a Variant of Uncertain Significance.

Ambry Genetics
Classification: Likely benign. Last evaluated: 2025-06-11. Review status: criteria provided, single submitter. Criteria: Ambry Variant Classification Scheme 2023. Collection method: clinical testing. Allele origin: germline.